The following is an entry in ClinVar:

NM_001308093.3(GATA4):c.-2_5del (p.Met1fs)

Gene: GATA4 (GATA binding protein 4). Cytogenetic location: 8p23.1.
Variant type: Deletion.
Coding change: c.-2_5del on transcript NM_001308093.3 (MANE Select); 2 bases upstream of the start codon through coding-DNA position 5, this stretch deleted.
Protein change: p.Met1fs; shifts the reading frame from methionine 1.
Molecular consequence: frameshift variant, initiator codon variant. On other transcripts: intron variant (3).
Genome position: GRCh38 VCF-style: chr8-11708309-GACCATGT-G. GRCh37 (hg19) VCF-style: chr8-11565818-GACCATGT-G.
Other names: c.-2_5del, p.Met1fs (NM_002052.5); c.-6+7533_-6+7539del (NM_001308094.2); c.-3+297_-3+303del (NM_001374274.1); c.-3+4007_-3+4013del (NM_001374273.1); short protein forms M1fs.
Identifiers: ClinVar variation 2132283 (VCV002132283.5), dbSNP rs2486778257, ClinGen allele CA2580078003.

ClinVar aggregate classification (germline): Uncertain significance (1 of 4 stars; one submission).

Conditions:
Atrioventricular septal defect 4 (AVSD4). Identifiers: MedGen C3280781, MONDO:0013747, OMIM 614430.

Submission:

Labcorp Genetics (formerly Invitae), Labcorp
Classification: Uncertain significance for Atrioventricular septal defect 4. Last evaluated: 2022-04-30. Review status: criteria provided, single submitter. Criteria: Invitae Variant Classification Sherloc (09022015). Collection method: clinical testing. Allele origin: germline.
Comment: In summary, the available evidence is currently insufficient to determine the role of this variant in disease. Therefore, it has been classified as a Variant of Uncertain Significance. Experimental studies and prediction algorithms are not available or were not evaluated, and the functional significance of this variant is currently unknown. This variant has not been reported in the literature in individuals affected with GATA4-related conditions. This variant is not present in population databases (gnomAD no frequency). This sequence change affects the initiator methionine of the GATA4 mRNA. The next in-frame methionine is located at codon 7.